The following is an entry in ClinVar:

NM_000179.3(MSH6):c.1610_1613del (p.Lys537fs)

Gene: MSH6 (mutS homolog 6; plus strand). Cytogenetic location: 2p16.3.
Variant type: Microsatellite.
Coding change: c.1610_1613del on transcript NM_000179.3 (MANE Select); coding-DNA positions 1610 to 1613, 4 bases deleted (AGTA; older notation c.1610_1613delAGTA).
Protein change: p.Lys537fs; shifts the reading frame from lysine 537.
Molecular consequence: frameshift variant.
Genome position (GRCh38, 1-based): chr2:47,799,593-47,799,596, AGTA deleted; deleting any 4 consecutive bases within chr2:47,799,589-47,799,596 gives the same sequence; the c. name uses the placement nearest the transcript's 3' end. VCF-style (leftmost placement, unchanged base first): chr2-47799588-CAGTA-C. GRCh37 (hg19) VCF-style: chr2-48026727-CAGTA-C.
Other names: c.1220_1223del, p.Lys407fs (NM_001281492.2); c.704_707del, p.Lys235fs (NM_001281493.2, NM_001281494.2); c.1610_1613delAGTA (NM_000179.2, NM_000179.3); short protein forms K235fs, K537fs, K407fs.
Identifiers: ClinVar variation 216859 (VCV000216859.26), dbSNP rs863224829, ClinGen allele CA067905.

ClinVar aggregate classification (germline): Pathogenic. Review status: criteria provided, multiple submitters, no conflicts (2 of 4 stars). 9 submissions from 9 submitters: Pathogenic (9). Last evaluated 2026-01-08.

Conditions:
MSH6-related disorder. Also called: MSH6-Related disorders; MSH6-related condition.
Hereditary nonpolyposis colon cancer (HNPCC). Also called: Hereditary nonpolyposis colorectal cancer; Familial nonpolyposis colon cancer; Hereditary Nonpolyposis Colorectal Cancer Syndrome. Identifiers: Orphanet 443909, MedGen C1333990, MONDO:0018630. Disease mechanism: loss of function.
Hereditary nonpolyposis colorectal neoplasms. Identifiers: MedGen C0009405, MeSH D003123.
Hereditary cancer-predisposing syndrome. Also called: Neoplastic Syndromes, Hereditary; Tumor predisposition; Hereditary Cancer Syndrome; Hereditary neoplastic syndrome. Identifiers: Orphanet 140162, MedGen C0027672, MeSH D009386, MONDO:0015356.
Lynch syndrome. Identifiers: Orphanet 144, MedGen C4552100, MONDO:0005835. Disease mechanism: loss of function.
Lynch syndrome 5 (LYNCH5). Also called: Colorectal cancer, hereditary nonpolyposis, type 5; Hereditary non-polyposis colorectal cancer, type 5. Identifiers: Orphanet 144, MedGen C1833477, MONDO:0013710, OMIM 614350. Disease mechanism: loss of function.
Endometrial carcinoma. Also called: Endometrial carcinoma, somatic. Identifiers: MedGen C0476089, MONDO:0002447, OMIM 608089, HP:0012114.

Submissions (9):

Women's Health and Genetics/Laboratory Corporation of America, LabCorp
Classification: Pathogenic for Hereditary nonpolyposis colon cancer. Last evaluated: 2026-01-08. Review status: criteria provided, single submitter. Criteria: LabCorp Variant Classification Summary - May 2015. Collection method: clinical testing. Allele origin: germline.
Comment: Variant summary: MSH6 c.1610_1613delAGTA (p.Lys537IlefsX33) results in a premature termination codon, predicted to cause a truncation of the encoded protein or absence of the protein due to nonsense mediated decay, which are commonly known mechanisms for disease. The variant allele was found at a frequency of 4e-06 in 251346 control chromosomes. c.1610_1613delAGTA has been observed in individuals affected with hereditary nonpolyposis colorectal cancer, pancreatic cancer, and endometrial cancer (e.g., Cavalchini_2014, Dudley_2018, dePaula_2021, Ow_2019). These data indicate that the variant is likely to be associated with disease. The following publications have been ascertained in the context of this evaluation (PMID: 29360161, 33647816, 31350202). ClinVar contains an entry for this variant (Variation ID: 216859). Based on the evidence outlined above, the variant was classified as pathogenic.

Ambry Genetics
Classification: Pathogenic for Hereditary cancer-predisposing syndrome. Last evaluated: 2025-08-19. Review status: criteria provided, single submitter. Criteria: Ambry Variant Classification Scheme 2023. Collection method: clinical testing. Allele origin: germline.
Comment: The c.1610_1613delAGTA pathogenic mutation, located in coding exon 4 of the MSH6 gene, results from a deletion of 4 nucleotides at nucleotide positions 1610 to 1613, causing a translational frameshift with a predicted alternate stop codon (p.K537Ifs*33). In addition to the clinical data presented in the literature, this alteration is expected to result in loss of function by premature protein truncation or nonsense-mediated mRNA decay. As such, this alteration is interpreted as a disease-causing mutation.

Labcorp Genetics (formerly Invitae), Labcorp
Classification: Pathogenic for Hereditary nonpolyposis colorectal neoplasms. Last evaluated: 2025-06-30. Review status: criteria provided, single submitter. Criteria: Invitae Variant Classification Sherloc (09022015). Collection method: clinical testing. Allele origin: germline.
Comment: This sequence change creates a premature translational stop signal (p.Lys537Ilefs*33) in the MSH6 gene. It is expected to result in an absent or disrupted protein product. Loss-of-function variants in MSH6 are known to be pathogenic (PMID: 18269114, 24362816). This variant is not present in population databases (gnomAD no frequency). This premature translational stop signal has been observed in individual(s) with colorectal and pancreatic cancer (PMID: 28514183, 28975465, 29360161). Invitae Evidence Modeling of clinical and family history, age, sex, and reported ancestry of multiple individuals with this MSH6 variant has been performed. This variant is expected to be pathogenic with a positive predictive value of at least 99%. This is a validated machine learning model that incorporates the clinical features of 1,627,235 individuals referred to our laboratory for MSH6 testing. ClinVar contains an entry for this variant (Variation ID: 216859). For these reasons, this variant has been classified as Pathogenic.

Myriad Genetics, Inc.
Classification: Pathogenic for Lynch syndrome 5. Last evaluated: 2023-08-15. Review status: criteria provided, single submitter. Criteria: Myriad Autosomal Dominant, Autosomal Recessive and X-Linked Classification Criteria (2023). Collection method: clinical testing. Allele origin: unknown.
Comment: This variant is considered pathogenic. This variant creates a frameshift predicted to result in premature protein truncation.

All of Us Research Program, National Institutes of Health
Classification: Pathogenic for Lynch syndrome. Last evaluated: 2023-07-19. Review status: criteria provided, single submitter. Criteria: ACMG Guidelines, 2015. Collection method: clinical testing. Allele origin: germline. Inheritance: Autosomal dominant inheritance. Observed: 1 variant allele, 1 heterozygote.
Comment: This variant deletes 4 nucleotides in exon 4 of the MSH6 gene, creating a frameshift and premature translation stop signal. This variant is expected to result in an absent or non-functional protein product. This variant has been reported in individuals affected with Lynch syndrome (PMID: 33647816), or Lynch syndrome-associated cancers (PMID: 28975465, 29360161). This variant has been identified in 1/251346 chromosomes in the general population by the Genome Aggregation Database (gnomAD). Loss of MSH6 function is a known mechanism of disease. Based on the available evidence, this variant is classified as Pathogenic.

This study involves interpretation of variants in research participants for the purpose of population health screening. Participant phenotype was not available at the time of variant classification. Additional details can be found in publication PMID: 35346344, PMCID: PMC8962531

GeneDx
Classification: Pathogenic. Last evaluated: 2021-12-08. Review status: criteria provided, single submitter. Criteria: GeneDx Variant Classification Process June 2021. Collection method: clinical testing. Allele origin: germline. Affected: yes.
Comment: Frameshift variant predicted to result in protein truncation or nonsense mediated decay in a gene for which loss-of-function is a known mechanism of disease; Not observed at a significant frequency in large population cohorts (Lek et al., 2016); Truncating variants in this gene are considered pathogenic by a well-established clinical consortium and/or database; Observed in patients with Lynch-related cancers and tumor studies consistent with pathogenic variants in this gene (Siraj et al. 2017, Dudley et al. 2018); This variant is associated with the following publications: (PMID: 31350202, 28975465, 29360161, 28152038, 29625052, 30787465)

Baylor Genetics
Classification: Pathogenic for Endometrial carcinoma. Last evaluated: 2021-08-14. Review status: criteria provided, single submitter. Criteria: ACMG Guidelines, 2015. Collection method: clinical testing. Allele origin: unknown.

Blueprint Genetics
Classification: Pathogenic for MSH6-related disorders. Last evaluated: 2019-09-24. Review status: criteria provided, single submitter. Criteria: ACMG Guidelines, 2015. Collection method: clinical testing. Allele origin: germline. Affected: yes. Observed: 2 variant alleles.

Quest Diagnostics Nichols Institute San Juan Capistrano
Classification: Pathogenic. Last evaluated: 2018-04-24. Review status: criteria provided, single submitter. Criteria: Quest Diagnostics criteria. Collection method: clinical testing. Allele origin: germline.

Literature cited by the submitters: PubMed 29360161 (cited by 4 submitters); PubMed 31350202 (cited by Women's Health and Genetics/Laboratory Corporation of America, LabCorp); PubMed 33647816 (cited by Women's Health and Genetics/Laboratory Corporation of America, LabCorp and All of Us Research Program, National Institutes of Health); PubMed 28975465 (cited by 3 submitters); PubMed 18269114 (cited by Labcorp Genetics (formerly Invitae), Labcorp); PubMed 24362816 (cited by Labcorp Genetics (formerly Invitae), Labcorp); PubMed 28514183 (cited by Labcorp Genetics (formerly Invitae), Labcorp).